The following is an entry in ClinVar:

ClinVar aggregate classification (germline): Uncertain significance. Review status: criteria provided, multiple submitters, no conflicts (2 of 4 stars). 2 submissions from 2 submitters: Uncertain significance (2). Last evaluated 2024-02-24.

Allele frequency attached by ClinVar (database versions not stated): gnomAD exomes below 0.00001; gnomAD 0.00001.
gnomAD v4.1: 5 of 1,614,096 alleles (0.00031%); highest among the groups gnomAD compares: Non-Finnish European, 0.00025%; no homozygotes.

Submissions (2):

Labcorp Genetics (formerly Invitae), Labcorp
Classification: Uncertain significance. Last evaluated: 2024-02-24. Review status: criteria provided, single submitter. Criteria: Invitae Variant Classification Sherloc (09022015). Collection method: clinical testing. Allele origin: germline.
Comment: This sequence change creates a premature translational stop signal (p.Gln1175*) in the A2ML1 gene. It is expected to result in an absent or disrupted protein product. However, the current clinical and genetic evidence is not sufficient to establish whether loss-of-function variants in A2ML1 cause disease. This variant is present in population databases (no rsID available, gnomAD 0.002%). This variant has not been reported in the literature in individuals affected with A2ML1-related conditions. ClinVar contains an entry for this variant (Variation ID: 1443050). In summary, the available evidence is currently insufficient to determine the role of this variant in disease. Therefore, it has been classified as a Variant of Uncertain Significance.

Breakthrough Genomics
Classification: Uncertain significance. Review status: criteria provided, single submitter. Criteria: ACMG Guidelines, 2015. Collection method: not provided. Allele origin: germline. Inheritance: Autosomal dominant inheritance. Affected: yes.

NM_144670.6(A2ML1):c.3523C>T (p.Gln1175Ter)

Gene: A2ML1 (alpha-2-macroglobulin like 1; plus strand). Cytogenetic location: 12p13.31.
Variant type: single nucleotide variant.
Coding change: c.3523C>T on transcript NM_144670.6 (MANE Select); coding-DNA position 3523, C replaced by T.
Protein change: p.Gln1175Ter; replaces glutamine 1175 with a stop codon.
Molecular consequence: nonsense.
Genome position (GRCh38, 1-based): chr12:8,863,814, C>T. VCF-style: chr12-8863814-C-T. GRCh37 (hg19) VCF-style: chr12-9016410-C-T.
Other names: c.2050C>T, p.Gln684Ter (NM_001282424.3); short protein forms Q1175*, Q684*.
Identifiers: ClinVar variation 1443050 (VCV001443050.7), dbSNP rs1037613124, ClinGen allele CA232701752.